The following is an entry in ClinVar:

NM_201384.3(PLEC):c.3105G>T (p.Gly1035=)

Gene: PLEC (plectin; minus strand). Cytogenetic location: 8q24.3.
Variant type: single nucleotide variant.
Coding change: c.3105G>T on transcript NM_201384.3 (MANE Select); coding-DNA position 3105, G replaced by T.
Protein change: p.Gly1035=; no amino-acid change (glycine 1035 retained).
Molecular consequence: synonymous variant.
Genome position (GRCh38, 1-based): chr8:143,929,258, C>A on the plus strand (G>T on the coding strand, the complement: PLEC is on the minus strand). VCF-style: chr8-143929258-C-A. GRCh37 (hg19) VCF-style: chr8-145003426-C-A.
Other names: c.3186G>T, p.Gly1062= (NM_000445.5, NM_001410941.1); c.3063G>T, p.Gly1021= (NM_201378.4); c.3039G>T, p.Gly1013= (NM_201379.3); c.3516G>T, p.Gly1172= (NM_201380.4); c.3009G>T, p.Gly1003= (NM_201381.3); c.3105G>T, p.Gly1035= (NM_201382.4); c.3117G>T, p.Gly1039= (NM_201383.3).
Identifiers: ClinVar variation 2684302 (VCV002684302.3), dbSNP rs1554710552, ClinGen allele CA463433705.
Genomic context (GRCh38, chr8:143,929,258, plus strand): 5'-CTCTGGTAGGGCCAAGACCTTCTCGGCCTCGGCAGAGAGCCGGGCGACCCCCTTGCCCAG[C>A]CCCTCCACCTCTGCCTGTGCCTTCTGCAAAGACAGGGAGTGGGAACGCACTCATCACCGA-3'
Protein context (NP_958786.1, residues 1025-1045): EQQKAQAEVE[Gly1035=]LGKGVARLSA

ClinVar aggregate classification (germline): Conflicting classifications of pathogenicity. Review status: criteria provided, conflicting classifications (1 of 4 stars). 2 submissions from 2 submitters: Uncertain significance (1); Likely benign (1). Last evaluated 2025-12-20.

Conditions:
Epidermolysis bullosa simplex 5B, with muscular dystrophy (EBS5B). Also called: Epidermolysis bullosa simplex with muscular dystrophy; EPIDERMOLYSIS BULLOSA SIMPLEX AND LIMB-GIRDLE MUSCULAR DYSTROPHY. Identifiers: Orphanet 257, MedGen C2931072, MONDO:0009181, OMIM 226670.
Autosomal recessive limb-girdle muscular dystrophy type 2Q (LGMDR17). Also called: MUSCULAR DYSTROPHY, LIMB-GIRDLE, AUTOSOMAL RECESSIVE 17. Identifiers: Orphanet 254361, MedGen C3150989, MONDO:0013390, OMIM 613723.
Epidermolysis bullosa simplex, Ogna type (EBS5A). Also called: Pidermolysis bullosa simplex 5A, Ogna type; EPIDERMOLYSIS BULLOSA SIMPLEX 5A, OGNA TYPE. Identifiers: Orphanet 79401, MedGen C0432317, MONDO:0007555, OMIM 131950.
Epidermolysis bullosa simplex 5C, with pyloric atresia (EBS5C). Also called: Epidermolysis bullosa simplex with pyloric atresia; PLEC-Related Epidermolysis Bullosa with Pyloric Atresia; PLEC1-Related Epidermolysis Bullosa with Pyloric Atresia. Identifiers: Orphanet 158684, MedGen C2677349, MONDO:0012807, OMIM 612138.
Epidermolysis bullosa simplex with nail dystrophy (EBS5D). Identifiers: MedGen C4225309, MONDO:0014661, OMIM 616487.

Submissions (2):

Labcorp Genetics (formerly Invitae), Labcorp
Classification: Likely benign for Autosomal recessive limb-girdle muscular dystrophy type 2Q; Epidermolysis bullosa simplex, Ogna type; Epidermolysis bullosa simplex with nail dystrophy; Epidermolysis bullosa simplex 5C, with pyloric atresia; Epidermolysis bullosa simplex 5B, with muscular dystrophy. Last evaluated: 2025-12-20. Review status: criteria provided, single submitter. Criteria: Invitae Variant Classification Sherloc (09022015). Collection method: clinical testing. Allele origin: germline.

Athena Diagnostics
Classification: Uncertain significance. Last evaluated: 2023-07-14. Review status: criteria provided, single submitter. Criteria: Athena Diagnostics Criteria. Collection method: clinical testing. Allele origin: unknown.
Comment: Available data are insufficient to determine the clinical significance of the variant at this time. This variant has not been reported in large, multi-ethnic general populations. Computational tools yielded predictions that this variant is unlikely to have an effect on normal RNA splicing.